The following is an entry in ClinVar:

ClinVar aggregate classification (germline): Conflicting classifications of pathogenicity. Review status: criteria provided, conflicting classifications (1 of 4 stars). 2 submissions from 2 submitters: Uncertain significance (1); Likely benign (1). Last evaluated 2024-04-05.

Allele frequency attached by ClinVar (database versions not stated): gnomAD exomes below 0.00001; ExAC 0.00001.

Submissions (2):

GeneDx
Classification: Uncertain significance. Last evaluated: 2024-04-05. Review status: criteria provided, single submitter. Criteria: GeneDx Variant Classification Process June 2021. Collection method: clinical testing. Allele origin: germline. Affected: yes.
Comment: Not observed at significant frequency in large population cohorts (gnomAD); In silico analysis indicates that this variant does not alter splicing; Has not been previously published as pathogenic or benign to our knowledge

Labcorp Genetics (formerly Invitae), Labcorp
Classification: Likely benign. Last evaluated: 2023-11-09. Review status: criteria provided, single submitter. Criteria: Invitae Variant Classification Sherloc (09022015). Collection method: clinical testing. Allele origin: germline.

NM_003907.3(EIF2B5):c.1445-10C>G

Gene: EIF2B5 (eukaryotic translation initiation factor 2B subunit epsilon; plus strand). Cytogenetic location: 3q27.1.
Variant type: single nucleotide variant.
Coding change: c.1445-10C>G on transcript NM_003907.3 (MANE Select); 10 bases into the intron before coding-DNA position 1445, C replaced by G.
Molecular consequence: intron variant.
Genome position (GRCh38, 1-based): chr3:184,142,492, C>G. VCF-style: chr3-184142492-C-G. GRCh37 (hg19) VCF-style: chr3-183860280-C-G.
Identifiers: ClinVar variation 1120828 (VCV001120828.8), dbSNP rs774733373, ClinGen allele CA2726704.